The following is an entry in ClinVar:

ClinVar aggregate classification (germline): Benign/Likely benign. Review status: criteria provided, multiple submitters, no conflicts (2 of 4 stars). 2 submissions from 2 submitters: Benign (1); Likely benign (1). Last evaluated 2025-11-10.

Allele frequency attached by ClinVar (database versions not stated): gnomAD exomes 0.00002 and 0.00005; gnomAD 0.00003; ExAC 0.00004; TOPMed 0.00004.
gnomAD v4.1: 30 of 1,609,390 alleles (0.0019%); highest among the groups gnomAD compares: Admixed American, 0.02%; no homozygotes.

Submissions (2):

Labcorp Genetics (formerly Invitae), Labcorp
Classification: Likely benign. Last evaluated: 2025-11-10. Review status: criteria provided, single submitter. Criteria: Invitae Variant Classification Sherloc (09022015). Collection method: clinical testing. Allele origin: germline.

Athena Diagnostics
Classification: Benign. Last evaluated: 2025-06-02. Review status: criteria provided, single submitter. Criteria: Athena Diagnostics Criteria. Collection method: clinical testing. Allele origin: unknown.
Comment: The frequency of this variant in the general population is higher than would generally be expected for pathogenic variants in this gene. Computational tools yielded predictions that this variant is unlikely to have an effect on normal RNA splicing. This nucleotide position exhibits low evolutionary conservation.

NM_001378452.1(ITPR1):c.3576G>T (p.Arg1192=)

Gene: ITPR1 (inositol 1,4,5-trisphosphate receptor type 1; plus strand). Cytogenetic location: 3p26.1.
Variant type: single nucleotide variant.
Coding change: c.3576G>T on transcript NM_001378452.1 (MANE Select); coding-DNA position 3576, G replaced by T.
Protein change: p.Arg1192=; no amino-acid change (arginine 1192 retained).
Molecular consequence: synonymous variant.
Genome position (GRCh38, 1-based): chr3:4,685,080, G>T. VCF-style: chr3-4685080-G-T. GRCh37 (hg19) VCF-style: chr3-4726764-G-T.
Other names: c.3549G>T, p.Arg1183= (NM_001099952.4); c.3531G>T, p.Arg1177= (NM_001168272.2); c.3504G>T, p.Arg1168= (NM_002222.7); c.3531G>T (NM_001168272.1).
Identifiers: ClinVar variation 761954 (VCV000761954.8), dbSNP rs767237814, ClinGen allele CA2231747.
Genomic context (GRCh38, chr3:4,685,080, plus strand): 5'-CCAGCTATAGTTCCTAGTTTTCTGAGACTGATTTCTTTCATTCTACTAGATTTTGATTCG[G>T]CTTAGCAAACTCTGTGTTCAAGAGAGTGCCTCAGTGAGAAAGAGCAGGAAGCAGCAACAG-3'
Protein context (NP_001365381.1, residues 1182-1202): NYRVVKEILI[Arg1192=]LSKLCVQESA